The following is an entry in ClinVar:

NM_032620.4(GTPBP3):c.643G>T (p.Glu215Ter)

Gene: GTPBP3 (GTP binding protein 3, mitochondrial; plus strand). Cytogenetic location: 19p13.11.
Variant type: single nucleotide variant.
Coding change: c.643G>T on transcript NM_032620.4 (MANE Select); coding-DNA position 643, G replaced by T.
Protein change: p.Glu215Ter; replaces glutamic acid 215 with a stop codon.
Molecular consequence: nonsense.
Genome position (GRCh38, 1-based): chr19:17,339,005, G>T. VCF-style: chr19-17339005-G-T. GRCh37 (hg19) VCF-style: chr19-17449814-G-T.
Other names: c.643G>T, p.Glu215Ter (NM_001128855.3, NM_133644.4); c.709G>T, p.Glu237Ter (NM_001195422.1); short protein forms E237*, E215*.
Identifiers: ClinVar variation 488527 (VCV000488527.7), dbSNP rs1555726849, ClinGen allele CA404735284.

ClinVar aggregate classification (germline): Pathogenic. Review status: criteria provided, multiple submitters, no conflicts (2 of 4 stars). 2 submissions from 2 submitters: Pathogenic (2). Last evaluated 2022-04-16.

Conditions:
Combined oxidative phosphorylation defect type 23. Also called: Combined oxidative phosphorylation deficiency 23. Identifiers: Orphanet 444013, MedGen C5567743, MONDO:0014525, OMIM 616198.

Allele frequency attached by ClinVar (database versions not stated): gnomAD exomes below 0.00001.
gnomAD v4.1: 2 of 1,613,922 alleles (0.00012%); highest among the groups gnomAD compares: Non-Finnish European, 0.00017%; no homozygotes.

Submissions (2):

Labcorp Genetics (formerly Invitae), Labcorp
Classification: Pathogenic. Last evaluated: 2022-04-16. Review status: criteria provided, single submitter. Criteria: Invitae Variant Classification Sherloc (09022015). Collection method: clinical testing. Allele origin: germline.
Comment: For these reasons, this variant has been classified as Pathogenic. ClinVar contains an entry for this variant (Variation ID: 488527). This variant has not been reported in the literature in individuals affected with GTPBP3-related conditions. This variant is not present in population databases (gnomAD no frequency). This sequence change creates a premature translational stop signal (p.Glu215*) in the GTPBP3 gene. It is expected to result in an absent or disrupted protein product. Loss-of-function variants in GTPBP3 are known to be pathogenic (PMID: 25434004).

Institute of Human Genetics Munich, TUM University Hospital
Classification: Pathogenic for Combined oxidative phosphorylation defect type 23. Last evaluated: 2017-10-23. Review status: criteria provided, single submitter. Criteria: Classification criteria August 2017. Collection method: clinical testing. Allele origin: maternal. Inheritance: Autosomal recessive inheritance. Affected: yes. Observed: 1 compound heterozygote.

Literature cited by the submitters: PubMed 25434004 (cited by Labcorp Genetics (formerly Invitae), Labcorp).